The following is an entry in ClinVar:

NM_020975.6(RET):c.3172G>C (p.Glu1058Gln)

Gene: RET (ret proto-oncogene; plus strand). Cytogenetic location: 10q11.21.
Variant type: single nucleotide variant.
Coding change: c.3172G>C on transcript NM_020975.6 (MANE Select); coding-DNA position 3172, G replaced by C.
Protein change: p.Glu1058Gln; replaces glutamic acid 1058 with glutamine.
Molecular consequence: missense variant.
Genome position (GRCh38, 1-based): chr10:43,126,707, G>C. VCF-style: chr10-43126707-G-C. GRCh37 (hg19) VCF-style: chr10-43622155-G-C.
Other names: c.2446G>C, p.Glu816Gln (NM_001406778.1, NM_001406775.1, NM_001406776.1); c.2275G>C, p.Glu759Gln (NM_001406779.1, NM_001406780.1, NM_001406781.1 and 1 more transcripts); c.2146G>C, p.Glu716Gln (NM_001406783.1, NM_001406786.1); c.2182G>C, p.Glu728Gln (NM_001406784.1); c.2155G>C, p.Glu719Gln (NM_001406785.1); c.2140G>C, p.Glu714Gln (NM_001406787.1); c.1987G>C, p.Glu663Gln (NM_001406788.1, NM_001406789.1, NM_001406790.1); c.1867G>C, p.Glu623Gln (NM_001406791.1); and 10 more; short protein forms E1013Q, E575Q, E623Q, E716Q, E816Q, E883Q, E1015Q, E1058Q.
Identifiers: ClinVar variation 1728452 (VCV001728452.2), dbSNP rs1838340845, ClinGen allele CA376558535.

ClinVar aggregate classification (germline): Uncertain significance (1 of 4 stars; one submission).

Conditions:
Hereditary cancer-predisposing syndrome. Also called: Tumor predisposition; Neoplastic Syndromes, Hereditary; Hereditary Cancer Syndrome; Hereditary neoplastic syndrome. Identifiers: Orphanet 140162, MedGen C0027672, MeSH D009386, MONDO:0015356.

Submission:

Ambry Genetics
Classification: Uncertain significance for Hereditary cancer-predisposing syndrome. Last evaluated: 2021-11-22. Review status: criteria provided, single submitter. Criteria: Ambry Variant Classification Scheme 2023. Collection method: clinical testing. Allele origin: germline.
Comment: The p.E1058Q variant (also known as c.3172G>C), located in coding exon 19 of the RET gene, results from a G to C substitution at nucleotide position 3172. The glutamic acid at codon 1058 is replaced by glutamine, an amino acid with highly similar properties. This amino acid position is highly conserved in available vertebrate species. In addition, this alteration is predicted to be deleterious by in silico analysis. Since supporting evidence is limited at this time, the clinical significance of this alteration remains unclear.